The following is an entry in ClinVar:

ClinVar aggregate classification (germline): Uncertain significance (1 of 4 stars; one submission).

Allele frequency attached by ClinVar (database versions not stated): gnomAD exomes 0.00002; TOPMed 0.00003.

Submission:

Labcorp Genetics (formerly Invitae), Labcorp
Classification: Uncertain significance. Last evaluated: 2025-02-10. Review status: criteria provided, single submitter. Criteria: Invitae Variant Classification Sherloc (09022015). Collection method: clinical testing. Allele origin: germline.
Comment: This sequence change replaces glutamic acid, which is acidic and polar, with lysine, which is basic and polar, at codon 685 of the TAOK2 protein (p.Glu685Lys). This variant is not present in population databases (gnomAD no frequency). This variant has not been reported in the literature in individuals affected with TAOK2-related conditions. ClinVar contains an entry for this variant (Variation ID: 2055568). An algorithm developed to predict the effect of missense changes on protein structure and function (PolyPhen-2) suggests that this variant is likely to be tolerated. In summary, the available evidence is currently insufficient to determine the role of this variant in disease. Therefore, it has been classified as a Variant of Uncertain Significance.

NM_016151.4(TAOK2):c.2053G>A (p.Glu685Lys)

Gene: TAOK2 (TAO kinase 2; plus strand). Cytogenetic location: 16p11.2.
Variant type: single nucleotide variant.
Coding change: c.2053G>A on transcript NM_016151.4 (MANE Select); coding-DNA position 2053, G replaced by A.
Protein change: p.Glu685Lys; replaces glutamic acid 685 with lysine.
Molecular consequence: missense variant.
Genome position (GRCh38, 1-based): chr16:29,986,325, G>A. VCF-style: chr16-29986325-G-A. GRCh37 (hg19) VCF-style: chr16-29997646-G-A.
Other names: c.2053G>A, p.Glu685Lys (NM_001252043.2, NM_004783.4); short protein forms E685K.
Identifiers: ClinVar variation 2055568 (VCV002055568.4), dbSNP rs1396457128, ClinGen allele CA395488762.
Genomic context (GRCh38, chr16:29,986,325, plus strand): 5'-GACCTGAACAAGAAGCAGACCCAGAAGGACTTGGAGTGTGCACTGCTGCTTCGGCAGCAC[G>A]AGGCCACGCGGGAGCTGGAGCTGCGGCAGCTCCAGGCCGTGCAGCGCACGCGGGCTGAGC-3'
Protein context (NP_057235.2, residues 675-695): LECALLLRQH[Glu685Lys]ATRELELRQL